The following is an entry in ClinVar:

ClinVar aggregate classification (germline): Conflicting classifications of pathogenicity. Review status: criteria provided, conflicting classifications (1 of 4 stars). 2 submissions from 2 submitters: Uncertain significance (1); Likely benign (1). Last evaluated 2022-04-12.

Conditions:
Inborn genetic diseases. Identifiers: MedGen C0950123, MeSH D030342.

Allele frequency attached by ClinVar (database versions not stated): gnomAD 0.00001; TOPMed 0.00001; ExAC 0.00003; gnomAD exomes 0.00003.
gnomAD v4.1: 45 of 1,613,572 alleles (0.0028%); highest among the groups gnomAD compares: Middle Eastern, 0.05%; no homozygotes.

Submissions (2):

Ambry Genetics
Classification: Likely benign for Inborn genetic diseases. Last evaluated: 2022-04-12. Review status: criteria provided, single submitter. Criteria: Ambry Variant Classification Scheme 2023. Collection method: clinical testing. Allele origin: germline.

Labcorp Genetics (formerly Invitae), Labcorp
Classification: Uncertain significance. Last evaluated: 2022-03-25. Review status: criteria provided, single submitter. Criteria: Invitae Variant Classification Sherloc (09022015). Collection method: clinical testing. Allele origin: germline.
Comment: This sequence change replaces arginine, which is basic and polar, with glutamine, which is neutral and polar, at codon 2243 of the FREM2 protein (p.Arg2243Gln). This variant is present in population databases (rs773386433, gnomAD 0.01%). This variant has not been reported in the literature in individuals affected with FREM2-related conditions. Algorithms developed to predict the effect of missense changes on protein structure and function output the following: SIFT: "Tolerated"; PolyPhen-2: "Benign"; Align-GVGD: "Class C0". The glutamine amino acid residue is found in multiple mammalian species, which suggests that this missense change does not adversely affect protein function. In summary, the available evidence is currently insufficient to determine the role of this variant in disease. Therefore, it has been classified as a Variant of Uncertain Significance.

NM_207361.6(FREM2):c.6728G>A (p.Arg2243Gln)

Gene: FREM2 (FRAS1 related extracellular matrix 2; plus strand). Cytogenetic location: 13q13.3.
Variant type: single nucleotide variant.
Coding change: c.6728G>A on transcript NM_207361.6 (MANE Select); coding-DNA position 6728, G replaced by A.
Protein change: p.Arg2243Gln; replaces arginine 2243 with glutamine.
Molecular consequence: missense variant.
Genome position (GRCh38, 1-based): chr13:38,851,094, G>A. VCF-style: chr13-38851094-G-A. GRCh37 (hg19) VCF-style: chr13-39425231-G-A.
Other names: c.6728G>A (NM_207361.4); short protein forms R2243Q.
Identifiers: ClinVar variation 2190859 (VCV002190859.2), dbSNP rs773386433, ClinGen allele CA6955657.